The following is an entry in ClinVar:

ClinVar aggregate classification (germline): Uncertain significance (1 of 4 stars; one submission).

Conditions:
Nephronophthisis. Also called: Juvenile Nephronophthisis. Identifiers: Orphanet 655, MedGen C0687120, MONDO:0019005, HP:0000090.

Allele frequency attached by ClinVar (database versions not stated): gnomAD exomes below 0.00001 and 0.00001; gnomAD 0.00001; TOPMed 0.00001; ExAC 0.00002.
gnomAD v4.1: 6 of 1,613,418 alleles (0.00037%); highest among the groups gnomAD compares: African/African-American, 0.0013%; no homozygotes.

Submission:

Labcorp Genetics (formerly Invitae), Labcorp
Classification: Uncertain significance for Nephronophthisis. Last evaluated: 2021-09-19. Review status: criteria provided, single submitter. Criteria: Invitae Variant Classification Sherloc (09022015). Collection method: clinical testing. Allele origin: germline.
Comment: In summary, the available evidence is currently insufficient to determine the role of this variant in disease. Therefore, it has been classified as a Variant of Uncertain Significance. Algorithms developed to predict the effect of sequence changes on RNA splicing suggest that this variant may create or strengthen a splice site. Algorithms developed to predict the effect of missense changes on protein structure and function (SIFT, PolyPhen-2, Align-GVGD) all suggest that this variant is likely to be tolerated. This variant has not been reported in the literature in individuals affected with NPHP3-related conditions. This variant is present in population databases (rs749602646, ExAC 0.01%). This sequence change replaces proline with serine at codon 564 of the NPHP3 protein (p.Pro564Ser). The proline residue is highly conserved and there is a moderate physicochemical difference between proline and serine.

NM_153240.5(NPHP3):c.1690C>T (p.Pro564Ser)

Genes: NPHP3 (nephrocystin 3; minus strand), NPHP3-ACAD11 (NPHP3-ACAD11 readthrough (NMD candidate); minus strand). Cytogenetic location: 3q22.1.
Variant type: single nucleotide variant.
Coding change: c.1690C>T on transcript NM_153240.5 (MANE Select); coding-DNA position 1690, C replaced by T.
Protein change: p.Pro564Ser; replaces proline 564 with serine.
Molecular consequence: missense variant. On other transcripts: non-coding transcript variant (1).
Genome position (GRCh38, 1-based): chr3:132,700,387, G>A on the plus strand (C>T on the coding strand, the complement: NPHP3 is on the minus strand). VCF-style: chr3-132700387-G-A. GRCh37 (hg19) VCF-style: chr3-132419231-G-A.
Other names: short protein forms P564S.
Identifiers: ClinVar variation 1401521 (VCV001401521.6), dbSNP rs749602646, ClinGen allele CA2622231.